The following is an entry in ClinVar:

ClinVar aggregate classification (germline): Likely pathogenic (1 of 4 stars; one submission).

Submission:

GeneDx
Classification: Likely pathogenic. Last evaluated: 2016-03-13. Review status: criteria provided, single submitter. Criteria: GeneDx Variant Classification (06012015). Collection method: clinical testing. Allele origin: germline. Affected: yes.
Comment: The V131E variant in the SATB2 gene has not been reported previously as a pathogenic variant, nor as a benign variant, to our knowledge. The V131E variant was not observed in approximately 6500 individuals of European and African American ancestry in the NHLBI Exome Sequencing Project, indicating it is not a common benign variant in these populations. The V131E variant is a non-conservative amino acid substitution, which is likely to impact secondary protein structure as these residues differ in polarity, charge, size and/or other properties. This substitution occurs at a position where amino acids with similar properties to Valine are tolerated across species and in silico analysis predicts this variant is probably damaging to the protein structure/function. The V131E variant is a strong candidate for a pathogenic variant.

NM_001172509.2(SATB2):c.392T>A (p.Val131Glu)

Gene: SATB2 (SATB homeobox 2; minus strand). Cytogenetic location: 2q33.1.
Variant type: single nucleotide variant.
Coding change: c.392T>A on transcript NM_001172509.2 (MANE Select); coding-DNA position 392, T replaced by A.
Protein change: p.Val131Glu; replaces valine 131 with glutamic acid.
Molecular consequence: missense variant.
Genome position (GRCh38, 1-based): chr2:199,381,775, A>T on the plus strand (T>A on the coding strand, the complement: SATB2 is on the minus strand). VCF-style: chr2-199381775-A-T. GRCh37 (hg19) VCF-style: chr2-200246498-A-T.
Other names: c.392T>A, p.Val131Glu (NM_001172517.1, NM_015265.4); short protein forms V131E.
Identifiers: ClinVar variation 420691 (VCV000420691.2), dbSNP rs1064794638, ClinGen allele CA16617412.